The following is an entry in ClinVar:

ClinVar aggregate classification (germline): Uncertain significance (1 of 4 stars; one submission).

Submission:

Labcorp Genetics (formerly Invitae), Labcorp
Classification: Uncertain significance. Last evaluated: 2023-11-27. Review status: criteria provided, single submitter. Criteria: Invitae Variant Classification Sherloc (09022015). Collection method: clinical testing. Allele origin: germline.
Comment: This sequence change replaces arginine, which is basic and polar, with glycine, which is neutral and non-polar, at codon 40 of the LRP5 protein (p.Arg40Gly). This variant is not present in population databases (gnomAD no frequency). This variant has not been reported in the literature in individuals affected with LRP5-related conditions. ClinVar contains an entry for this variant (Variation ID: 1519299). Advanced modeling of protein sequence and biophysical properties (such as structural, functional, and spatial information, amino acid conservation, physicochemical variation, residue mobility, and thermodynamic stability) performed at Invitae indicates that this missense variant is expected to disrupt LRP5 protein function with a positive predictive value of 80%. In summary, the available evidence is currently insufficient to determine the role of this variant in disease. Therefore, it has been classified as a Variant of Uncertain Significance.

NM_002335.4(LRP5):c.118C>G (p.Arg40Gly)

Gene: LRP5 (LDL receptor related protein 5; plus strand). Cytogenetic location: 11q13.2.
Variant type: single nucleotide variant.
Coding change: c.118C>G on transcript NM_002335.4 (MANE Select); coding-DNA position 118, C replaced by G.
Protein change: p.Arg40Gly; replaces arginine 40 with glycine.
Molecular consequence: missense variant. On other transcripts: 5 prime UTR variant (1).
Genome position (GRCh38, 1-based): chr11:68,347,873, C>G. VCF-style: chr11-68347873-C-G. GRCh37 (hg19) VCF-style: chr11-68115341-C-G.
Other names: c.-1648C>G (NM_001291902.2); short protein forms R40G.
Identifiers: ClinVar variation 1519299 (VCV001519299.8), dbSNP rs780921829, ClinGen allele CA381610110.